The following is an entry in ClinVar:

NM_003737.4(DCHS1):c.5370A>G (p.Leu1790=)

Gene: DCHS1 (dachsous cadherin-related 1; minus strand). Cytogenetic location: 11p15.4.
Variant type: single nucleotide variant.
Coding change: c.5370A>G on transcript NM_003737.4 (MANE Select); coding-DNA position 5370, A replaced by G.
Protein change: p.Leu1790=; no amino-acid change (leucine 1790 retained).
Molecular consequence: synonymous variant.
Genome position (GRCh38, 1-based): chr11:6,628,622, T>C on the plus strand (A>G on the coding strand, the complement: DCHS1 is on the minus strand). VCF-style: chr11-6628622-T-C. GRCh37 (hg19) VCF-style: chr11-6649853-T-C.
Other names: c.5370A>G (NM_003737.3).
Identifiers: ClinVar variation 1380035 (VCV001380035.8), dbSNP rs142444294, ClinGen allele CA5860112.

ClinVar aggregate classification (germline): Conflicting classifications of pathogenicity. Review status: criteria provided, conflicting classifications (1 of 4 stars). 3 submissions from 3 submitters: Uncertain significance (2); Likely benign (1). Last evaluated 2026-02-01.

Conditions:
DCHS1-related disorder. Also called: DCHS1-related condition.

Allele frequency attached by ClinVar (database versions not stated): gnomAD exomes 0.00009 and 0.00028; ExAC 0.00010; gnomAD 0.00018 and 0.00019; TOPMed 0.00019; ESP Exome Variant Server 0.00023.

Submissions (3):

Labcorp Genetics (formerly Invitae), Labcorp
Classification: Uncertain significance. Last evaluated: 2026-02-01. Review status: criteria provided, single submitter. Criteria: Invitae Variant Classification Sherloc (09022015). Collection method: clinical testing. Allele origin: germline.
Comment: This sequence change affects codon 1790 of the DCHS1 mRNA. It is a 'silent' change, meaning that it does not change the encoded amino acid sequence of the DCHS1 protein. It affects a nucleotide within the consensus splice site. This variant is present in population databases (rs142444294, gnomAD 0.02%). This variant has not been reported in the literature in individuals affected with DCHS1-related conditions. ClinVar contains an entry for this variant (Variation ID: 1380035). Algorithms developed to predict the effect of sequence changes on RNA splicing suggest that this variant is not likely to affect RNA splicing. In summary, the available evidence is currently insufficient to determine the role of this variant in disease. Therefore, it has been classified as a Variant of Uncertain Significance.

PreventionGenetics, part of Exact Sciences
Classification: Likely benign for DCHS1-related condition. Last evaluated: 2026-01-11. Review status: criteria provided, single submitter. Criteria: ACMG Guidelines, 2015. Collection method: clinical testing. Allele origin: germline.
Comment: This variant is classified as likely benign based on ACMG/AMP sequence variant interpretation guidelines (Richards et al. 2015 PMID: 25741868, with internal and published modifications).

Women's Health and Genetics/Laboratory Corporation of America, LabCorp
Classification: Uncertain significance. Last evaluated: 2024-07-05. Review status: criteria provided, single submitter. Criteria: LabCorp Variant Classification Summary - May 2015. Collection method: clinical testing. Allele origin: germline.
Comment: Variant summary: DCHS1 c.5370A>G (p.Leu1790Leu) alters a conserved nucleotide located close to a canonical splice site and therefore could affect mRNA splicing, leading to a significantly altered protein sequence. Consensus agreement among computation tools predict no significant impact on normal splicing. However, these predictions have yet to be confirmed by functional studies. The variant allele was found at a frequency of 9.2e-05 in 251116 control chromosomes, predominantly at a frequency of 0.00019 within the Non-Finnish European subpopulation in the gnomAD database. This frequency is not significantly higher than estimated for a pathogenic variant in DCHS1 causing DCHS1-Related Disorders, allowing no conclusion about variant significance. To our knowledge, no occurrence of c.5370A>G in individuals affected with DCHS1-Related Disorders and no experimental evidence demonstrating its impact on protein function have been reported. ClinVar contains an entry for this variant (Variation ID: 1380035). Based on the evidence outlined above, the variant was classified as uncertain significance.